The following is an entry in ClinVar:

ClinVar aggregate classification (germline): Benign (0 of 4 stars; one submission).

Conditions:
MDN1-related disorder. Also called: MDN1-related condition.

Allele frequency attached by ClinVar (database versions not stated): gnomAD exomes 0.00125; ExAC 0.00402; gnomAD 0.01280; ESP Exome Variant Server 0.01492; TOPMed 0.01514; 1000 Genomes Project 30x 0.01608; 1000 Genomes Project 0.01697.
gnomAD v4.1: 3,903 of 1,613,606 alleles (0.24%); highest among the groups gnomAD compares: African/African-American, 4.4%; 75 homozygotes.

Submission:

PreventionGenetics, part of Exact Sciences
Classification: Benign for MDN1-related condition. Last evaluated: 2019-02-19. Review status: no assertion criteria provided. Collection method: clinical testing. Allele origin: germline.
Comment: This variant is classified as benign based on ACMG/AMP sequence variant interpretation guidelines (Richards et al. 2015 PMID: 25741868, with internal and published modifications).

NM_014611.3(MDN1):c.859G>A (p.Gly287Ser)

Gene: MDN1 (midasin AAA ATPase 1; minus strand). Cytogenetic location: 6q15.
Variant type: single nucleotide variant.
Coding change: c.859G>A on transcript NM_014611.3 (MANE Select); coding-DNA position 859, G replaced by A.
Protein change: p.Gly287Ser; replaces glycine 287 with serine.
Molecular consequence: missense variant.
Genome position (GRCh38, 1-based): chr6:89,790,398, C>T on the plus strand (G>A on the coding strand, the complement: MDN1 is on the minus strand). VCF-style: chr6-89790398-C-T. GRCh37 (hg19) VCF-style: chr6-90500117-C-T.
Other names: short protein forms G287S.
Identifiers: ClinVar variation 3039012 (VCV003039012.2), dbSNP rs76489362, ClinGen allele CA3926172.